The following is an entry in ClinVar:

NM_002294.3(LAMP2):c.864+1G>A

Gene: LAMP2 (lysosome associated membrane protein 2; minus strand). Cytogenetic location: Xq24.
Variant type: single nucleotide variant.
Coding change: c.864+1G>A on transcript NM_002294.3 (MANE Select); the canonical splice donor site of the intron after coding-DNA position 864, G replaced by A.
Molecular consequence: splice donor variant.
Genome position (GRCh38, 1-based): chrX:120,446,304, C>T on the plus strand (G>A on the coding strand, the complement: LAMP2 is on the minus strand). VCF-style: chrX-120446304-C-T. GRCh37 (hg19) VCF-style: chrX-119580159-C-T.
Other names: NC_000023.10:g.119580159C>T; c.864+1G>A (NM_001122606.1, NM_013995.2).
Identifiers: ClinVar variation 180876 (VCV000180876.5), dbSNP rs727503119, ClinGen allele CA333675.

ClinVar aggregate classification (germline): Pathogenic. Review status: criteria provided, multiple submitters, no conflicts (2 of 4 stars). 2 submissions from 2 submitters: Pathogenic (2). Last evaluated 2013-11-11.

Conditions:
Danon disease. Also called: PSEUDOGLYCOGENOSIS II; GSD IIb; LYSOSOMAL GLYCOGEN STORAGE DISEASE WITHOUT ACID MALTASE DEFICIENCY; Glycogen Storage Disease Type IIb; ANTOPOL DISEASE. Identifiers: Orphanet 34587, MedGen C0878677, MONDO:0010281, OMIM 300257.

Submissions (3):

GeneDx
Classification: Pathogenic. Last evaluated: 2013-11-11. Review status: criteria provided, single submitter. Criteria: GeneDx Variant Classification (06012015). Collection method: clinical testing. Allele origin: germline. Affected: yes.
Comment: c.864+1 G>A: IVS6+1 G>A in intron 6 of the LAMP2 gene (NM_002294.2). Although the c.864+1 G>A mutation has not been reported as a disease-causing mutation or as a benign polymorphism to our knowledge, this mutation destroys the canonical splice donor site in intron 6 and is predicted to cause abnormal gene splicing. The mutation is predicted to lead to either an abnormal message that is subject to nonsense-mediated mRNA decay, or to an abnormal protein product if the message is used for protein translation. Other splice site mutations in the LAMP2 gene have been reported in association with Danon disease.In summary, c.864+1 G>A in the LAMP2 gene is interpreted as a disease-causing mutation. The variant is found in HCM panel(s).

Juno Genomics, Hangzhou Juno Genomics, Inc
Classification: Pathogenic for Danon disease. Review status: criteria provided, single submitter. Criteria: ACMG Guidelines, 2015. Collection method: clinical testing. Allele origin: germline. Affected: yes.
Comment: Absent from controls (or at extremely low frequency if recessive) in Genome Aggregation Database, Exome Sequencing Project, 1000 Genomes Project, or Exome Aggregation Consortium.;Null variant in a gene where loss of function (LOF) is a known mechanism of disease.;Same amino acid change as a previously established pathogenic variant regardless of nucleotide change.;Patient's phenotype or family history is highly specific for a disease with a single genetic etiology.

Dr. Peter K. Rogan Lab, Western University
No classification provided (evidence only). Condition: Thyroid cancer, nonmedullary, 1. Review status: no classification provided. Collection method: in vitro. Allele origin: not applicable. Functional consequence: retained intron. Not counted in ClinVar's aggregate classification.